The following is an entry in ClinVar:

ClinVar aggregate classification (germline): Uncertain significance (1 of 4 stars; one submission).

Conditions:
Baraitser-Winter syndrome 1 (BRWS1). Also called: PACHYGYRIA, MENTAL RETARDATION, EPILEPSY, AND CHARACTERISTIC FACIES; MENTAL RETARDATION WITH EPILEPSY AND CHARACTERISTIC FACIES; Cerebrofrontofacial syndrome; BARAITSER-WINTER SYNDROME 1, ATYPICAL. Identifiers: Orphanet 2649, Orphanet 2995, MedGen C1855722, MONDO:0009470, OMIM 243310.

Submission:

Labcorp Genetics (formerly Invitae), Labcorp
Classification: Uncertain significance for Baraitser-Winter syndrome 1. Last evaluated: 2022-02-09. Review status: criteria provided, single submitter. Criteria: Invitae Variant Classification Sherloc (09022015). Collection method: clinical testing. Allele origin: germline.
Comment: In summary, the available evidence is currently insufficient to determine the role of this variant in disease. Therefore, it has been classified as a Variant of Uncertain Significance. This variant has not been reported in the literature in individuals affected with ACTB-related conditions. This variant is not present in population databases (gnomAD no frequency). This sequence change creates a premature translational stop signal (p.Gln263Serfs*21) in the ACTB gene. It is expected to result in an absent or disrupted protein product. However, the current clinical and genetic evidence is not sufficient to establish whether loss-of-function variants in ACTB cause disease.

NM_001101.5(ACTB):c.787del (p.Gln263fs)

Gene: ACTB (actin beta; minus strand). Cytogenetic location: 7p22.1.
Variant type: Deletion.
Coding change: c.787del on transcript NM_001101.5 (MANE Select); coding-DNA position 787, one base deleted (C; older notation c.787delC).
Protein change: p.Gln263fs; shifts the reading frame from glutamine 263.
Molecular consequence: frameshift variant.
Genome position (GRCh38, 1-based): chr7:5,528,296, G deleted on the plus strand (C on the coding strand, the reverse complement: ACTB is on the minus strand); the first of 2 consecutive G bases (chr7:5,528,296-5,528,297); deleting either gives the same sequence. VCF-style (leftmost placement, unchanged base first): chr7-5528295-TG-T. GRCh37 (hg19) VCF-style: chr7-5567926-TG-T.
Other names: short protein forms Q263fs.
Identifiers: ClinVar variation 2095576 (VCV002095576.4), dbSNP rs2533847196, ClinGen allele CA2580076737.